The following is an entry in ClinVar:

NM_013266.4(CTNNA3):c.1171G>A (p.Asp391Asn)

Gene: CTNNA3 (catenin alpha 3; minus strand). Cytogenetic location: 10q21.3.
Variant type: single nucleotide variant.
Coding change: c.1171G>A on transcript NM_013266.4 (MANE Select); coding-DNA position 1171, G replaced by A.
Protein change: p.Asp391Asn; replaces aspartic acid 391 with asparagine.
Molecular consequence: missense variant.
Genome position (GRCh38, 1-based): chr10:66,766,374, C>T on the plus strand (G>A on the coding strand, the complement: CTNNA3 is on the minus strand). VCF-style: chr10-66766374-C-T. GRCh37 (hg19) VCF-style: chr10-68526132-C-T.
Other names: c.1171G>A, p.Asp391Asn (NM_001127384.3); short protein forms D391N.
Identifiers: ClinVar variation 1976784 (VCV001976784.5), dbSNP rs2547545751, ClinGen allele CA377092003.

ClinVar aggregate classification (germline): Uncertain significance (1 of 4 stars; one submission).

Conditions:
Arrhythmogenic right ventricular dysplasia 13. Also called: ARRHYTHMOGENIC RIGHT VENTRICULAR CARDIOMYOPATHY 13; Arrhythmogenic right ventricular dysplasia, familial, 13. Identifiers: MedGen C3810138, MONDO:0000908, OMIM 615616.

Submission:

Labcorp Genetics (formerly Invitae), Labcorp
Classification: Uncertain significance for Arrhythmogenic right ventricular dysplasia 13. Last evaluated: 2022-03-26. Review status: criteria provided, single submitter. Criteria: Invitae Variant Classification Sherloc (09022015). Collection method: clinical testing. Allele origin: germline.
Comment: This sequence change replaces aspartic acid, which is acidic and polar, with asparagine, which is neutral and polar, at codon 391 of the CTNNA3 protein (p.Asp391Asn). Algorithms developed to predict the effect of missense changes on protein structure and function are either unavailable or do not agree on the potential impact of this missense change (SIFT: "Deleterious"; PolyPhen-2: "Possibly Damaging"; Align-GVGD: "Class C0"). In summary, the available evidence is currently insufficient to determine the role of this variant in disease. Therefore, it has been classified as a Variant of Uncertain Significance. This variant is not present in population databases (gnomAD no frequency). This variant has not been reported in the literature in individuals affected with CTNNA3-related conditions.